The following is an entry in ClinVar:

ClinVar aggregate classification (germline): Uncertain significance (1 of 4 stars; one submission).

Conditions:
Pigmentary pallidal degeneration (NBIA1). Also called: PKAN NEUROAXONAL DYSTROPHY, JUVENILE-ONSET; Neurodegeneration with brain iron accumulation 1; Pantothenate Kinase-Associated Neurodegeneration; Neuroaxonal dystrophy, late infantile; Hallervorden-Spatz disease; HARP SYNDROME. Identifiers: Orphanet 157850, MedGen C0018523, MONDO:0009319, OMIM 234200.

Allele frequency attached by ClinVar (database versions not stated): TOPMed below 0.00001; ExAC 0.00004.
gnomAD v4.1: 21 of 1,569,316 alleles (0.0013%); highest among the groups gnomAD compares: African/African-American, 0.0027%; no homozygotes.

Submission:

Labcorp Genetics (formerly Invitae), Labcorp
Classification: Uncertain significance for Pigmentary pallidal degeneration. Last evaluated: 2022-06-07. Review status: criteria provided, single submitter. Criteria: Invitae Variant Classification Sherloc (09022015). Collection method: clinical testing. Allele origin: germline.
Comment: This sequence change replaces arginine, which is basic and polar, with lysine, which is basic and polar, at codon 107 of the PANK2 protein (p.Arg107Lys). This variant is present in population databases (rs747857216, gnomAD 0.001%). This variant has not been reported in the literature in individuals affected with PANK2-related conditions. Algorithms developed to predict the effect of missense changes on protein structure and function are either unavailable or do not agree on the potential impact of this missense change (SIFT: "Deleterious"; PolyPhen-2: "Benign"; Align-GVGD: "Class C0"). In summary, the available evidence is currently insufficient to determine the role of this variant in disease. Therefore, it has been classified as a Variant of Uncertain Significance.

NM_001386393.1(PANK2):c.-11G>A

Genes: PANK2 (pantothenate kinase 2; plus strand), LOC130065345 (ATAC-STARR-seq lymphoblastoid silent region 12635; plus strand). Cytogenetic location: 20p13.
Variant type: single nucleotide variant.
Coding change: c.-11G>A on transcript NM_001386393.1 (MANE Select); 11 bases upstream of the start codon, G replaced by A.
Molecular consequence: 5 prime UTR variant. On other transcripts: missense variant (2), non-coding transcript variant (1), intron variant (1).
Genome position (GRCh38, 1-based): chr20:3,889,420, G>A. VCF-style: chr20-3889420-G-A. GRCh37 (hg19) VCF-style: chr20-3870067-G-A.
Other names: c.-722G>A (NM_001324191.2); c.320G>A, p.Arg107Lys (NM_001324192.1, NM_153638.4); c.-246+516G>A (NM_024960.6); short protein forms R107K.
Identifiers: ClinVar variation 2073327 (VCV002073327.1), dbSNP rs747857216, ClinGen allele CA9750544.